The following is an entry in ClinVar:

NM_173354.5(SIK1):c.365G>A (p.Ser122Asn)

Gene: SIK1 (salt inducible kinase 1; minus strand). Cytogenetic location: 21q22.3.
Variant type: single nucleotide variant.
Coding change: c.365G>A on transcript NM_173354.5 (MANE Select); coding-DNA position 365, G replaced by A.
Protein change: p.Ser122Asn; replaces serine 122 with asparagine.
Molecular consequence: missense variant.
Genome position (GRCh38, 1-based): chr21:43,421,772, C>T on the plus strand (G>A on the coding strand, the complement: SIK1 is on the minus strand). VCF-style: chr21-43421772-C-T. GRCh37 (hg19) VCF-style: chr21-44841652-C-T.
Other names: short protein forms S122N.
Identifiers: ClinVar variation 542709 (VCV000542709.13), dbSNP rs745541081, ClinGen allele CA321328192.

ClinVar aggregate classification (germline): Uncertain significance. Review status: criteria provided, multiple submitters, no conflicts (2 of 4 stars). 3 submissions from 3 submitters: Uncertain significance (3). Last evaluated 2025-05-28.

Conditions:
Developmental and epileptic encephalopathy, 30 (DEE30). Also called: Epileptic encephalopathy, early infantile, 30. Identifiers: MedGen C4225360, MONDO:0014595, OMIM 616341.

Allele frequency attached by ClinVar (database versions not stated): gnomAD exomes 0.00002; ExAC 0.00003; gnomAD 0.00003.

Submissions (3):

Women's Health and Genetics/Laboratory Corporation of America, LabCorp
Classification: Uncertain significance. Last evaluated: 2025-05-28. Review status: criteria provided, single submitter. Criteria: LabCorp Variant Classification Summary - May 2015. Collection method: clinical testing. Allele origin: germline.
Comment: Variant summary: SIK1 c.365G>A (p.Ser122Asn) results in a conservative amino acid change in the encoded protein sequence. Algorithms developed to predict the effect of missense changes on protein structure and function are either unavailable or do not agree on the potential impact of this missense change. The variant allele was found at a frequency of 2e-05 in 250458 control chromosomes. The available data on variant occurrences in the general population are insufficient to allow any conclusion about variant significance. To our knowledge, no occurrence of c.365G>A in individuals affected with Developmental And Epileptic Encephalopathy, 30 and no experimental evidence demonstrating its impact on protein function have been reported. ClinVar contains an entry for this variant (Variation ID: 542709). Based on the evidence outlined above, the variant was classified as uncertain significance.

Labcorp Genetics (formerly Invitae), Labcorp
Classification: Uncertain significance for Developmental and epileptic encephalopathy, 30. Last evaluated: 2025-02-04. Review status: criteria provided, single submitter. Criteria: Invitae Variant Classification Sherloc (09022015). Collection method: clinical testing. Allele origin: germline.
Comment: This sequence change replaces serine, which is neutral and polar, with asparagine, which is neutral and polar, at codon 122 of the SIK1 protein (p.Ser122Asn). This variant is present in population databases (rs745541081, gnomAD 0.006%). This variant has not been reported in the literature in individuals affected with SIK1-related conditions. ClinVar contains an entry for this variant (Variation ID: 542709). Invitae Evidence Modeling of protein sequence and biophysical properties (such as structural, functional, and spatial information, amino acid conservation, physicochemical variation, residue mobility, and thermodynamic stability) indicates that this missense variant is not expected to disrupt SIK1 protein function with a negative predictive value of 95%. In summary, the available evidence is currently insufficient to determine the role of this variant in disease. Therefore, it has been classified as a Variant of Uncertain Significance.

Fulgent Genetics
Classification: Uncertain significance for Developmental and epileptic encephalopathy, 30. Last evaluated: 2018-10-31. Review status: criteria provided, single submitter. Criteria: ACMG Guidelines, 2015. Collection method: clinical testing. Allele origin: unknown.